The following is an entry in ClinVar:

ClinVar aggregate classification (germline): Likely pathogenic. Review status: reviewed by expert panel (3 of 4 stars). 4 submissions from 4 submitters: Likely pathogenic (1). 3 of the submissions do not count toward it. Last evaluated 2026-06-15.

Conditions:
ABCA4-related retinopathy. Also called: ABCA4 retinoapthy; ABCA4-related retinoapthy. Identifiers: MedGen CN322612, MONDO:0800406.

Allele frequency attached by ClinVar (database versions not stated): gnomAD exomes below 0.00001.
gnomAD v4.1: 1 of 1,614,060 alleles (0.000062%); highest among the groups gnomAD compares: African/African-American, 0.0013%; no homozygotes.

Submissions (4):

ClinGen ABCA4 Variant Curation Expert Panel, Clingen
Classification: Likely pathogenic for ABCA4-related retinopathy. Last evaluated: 2026-06-15. Review status: reviewed by expert panel. Criteria: ClinGen ABCA4 ACMG Specifications V1.0.0. Collection method: curation. Allele origin: germline. Inheritance: Autosomal recessive inheritance.
Comment: The NM_000350.3(ABCA4):c.5584G>A variant in ABCA4 is a missense variant predicted to cause substitution of glycine by serine at amino acid 1862 (p.Gly1862Ser). The total minor allele frequency in gnomAD v4.1.0 is 0.0000006196 (1/1614060 alleles), which is lower than the ClinGen ABCA4 VCEP’s threshold for PM2_Supporting (<0.0001). The computational predictor REVEL gives a score of 0.661 which is in the range of 0.644-0.772, and SpliceAI gives a score of 0.69 which is above the threshold of >0.2, evidence that predicts a damaging effect on ABCA4 function (PP3). Another variant, c.5584G>C; p.Gly1862Arg, at the same nucleotide position has been classified as pathogenic by the ABCA4 VCEP. Splicing prediction using SpliceAI revealed similar predicted impacts on splicing for both variants (c.5584G>A donor loss score=0.69; c.5584G>C donor loss score=0.78) meeting PS1. At least one proband has been reported with a second pathogenic variant (c.6320G>A; p.Arg2107His) phase unknown meeting PM3_Supporting (0.5 points; LOVD database). In summary, this variant meets the criteria to be classified as likely pathogenic for ABCA4-related retinopathy based on the ACMG/AMP criteria applied, as specified by the ClinGen ABCA4 VCEP specification version 1.0.0: PS1, PM3_Supporting, PM2_Supporting, PP3.

Labcorp Genetics (formerly Invitae), Labcorp
Classification: Pathogenic. Last evaluated: 2025-03-05. Review status: criteria provided, single submitter. Criteria: Invitae Variant Classification Sherloc (09022015). Collection method: clinical testing. Allele origin: germline. Not counted in ClinVar's aggregate classification.
Comment: This sequence change replaces glycine, which is neutral and non-polar, with serine, which is neutral and polar, at codon 1862 of the ABCA4 protein (p.Gly1862Ser). This variant also falls at the last nucleotide of exon 39, which is part of the consensus splice site for this exon. This variant is not present in population databases (gnomAD no frequency). This missense change has been observed in individual(s) with Stargardt disease (PMID: 38219857; internal data). ClinVar contains an entry for this variant (Variation ID: 867094). An algorithm developed to predict the effect of missense changes on protein structure and function (PolyPhen-2) suggests that this variant is likely to be disruptive. Variants that disrupt the consensus splice site are a relatively common cause of aberrant splicing (PMID: 17576681, 9536098). Algorithms developed to predict the effect of sequence changes on RNA splicing suggest that this variant may disrupt the consensus splice site. This variant disrupts the c.5584G nucleotide in the ABCA4 gene. Other variant(s) that disrupt this nucleotide have been determined to be pathogenic (PMID: 25356976, 29162642, 37510321). This suggests that this nucleotide is clinically significant, and that variants that disrupt this position are likely to be disease-causing. For these reasons, this variant has been classified as Pathogenic.

GeneDx
Classification: Uncertain significance. Last evaluated: 2019-07-12. Review status: criteria provided, single submitter. Criteria: GeneDx Variant Classification Process June 2021. Collection method: clinical testing. Allele origin: germline. Affected: yes. Not counted in ClinVar's aggregate classification.
Comment: Not observed in large population cohorts (Lek et al., 2016); In silico analysis, which includes protein predictors and evolutionary conservation, supports a deleterious effect; In addition, in silico predictors and evolutionary conservation suggest the missense change may have a deleterious effect on the protein; In the absence of RNA/functional studies, the actual effect of this sequence change is unknown; Has not been previously published as pathogenic or benign to our knowledge

Blueprint Genetics
Classification: Uncertain significance. Last evaluated: 2019-02-08. Review status: criteria provided, single submitter. Criteria: ACMG Guidelines, 2015. Collection method: clinical testing. Allele origin: germline. Not counted in ClinVar's aggregate classification.

Literature cited by the submitters: PubMed 38219857 (cited by Labcorp Genetics (formerly Invitae), Labcorp); PubMed 17576681 (cited by Labcorp Genetics (formerly Invitae), Labcorp); PubMed 9536098 (cited by Labcorp Genetics (formerly Invitae), Labcorp); PubMed 25356976 (cited by Labcorp Genetics (formerly Invitae), Labcorp); PubMed 29162642 (cited by Labcorp Genetics (formerly Invitae), Labcorp); PubMed 37510321 (cited by Labcorp Genetics (formerly Invitae), Labcorp).

NM_000350.3(ABCA4):c.5584G>A (p.Gly1862Ser)

Gene: ABCA4 (ATP binding cassette subfamily A member 4; minus strand). Cytogenetic location: 1p22.1.
Variant type: single nucleotide variant.
Coding change: c.5584G>A on transcript NM_000350.3 (MANE Select); coding-DNA position 5584, G replaced by A.
Protein change: p.Gly1862Ser; replaces glycine 1862 with serine.
Molecular consequence: missense variant.
Genome position (GRCh38, 1-based): chr1:94,011,262, C>T on the plus strand (G>A on the coding strand, the complement: ABCA4 is on the minus strand). VCF-style: chr1-94011262-C-T. GRCh37 (hg19) VCF-style: chr1-94476818-C-T.
Other names: NM_000350.3(ABCA4):c.5584G>A; p.Gly1862Ser; c.5362G>A, p.Gly1788Ser (NM_001425324.1); short protein forms G1862S, G1788S.
Identifiers: ClinVar variation 867094 (VCV000867094.7), dbSNP rs1659538637, ClinGen allele CA341280970.